The following is an entry in ClinVar:

NM_004380.3(CREBBP):c.6432C>T (p.Ala2144=)

Gene: CREBBP (CREB binding lysine acetyltransferase; minus strand). Cytogenetic location: 16p13.3.
Variant type: single nucleotide variant.
Coding change: c.6432C>T on transcript NM_004380.3 (MANE Select); coding-DNA position 6432, C replaced by T.
Protein change: p.Ala2144=; no amino-acid change (alanine 2144 retained).
Molecular consequence: synonymous variant.
Genome position (GRCh38, 1-based): chr16:3,728,615, G>A on the plus strand (C>T on the coding strand, the complement: CREBBP is on the minus strand). VCF-style: chr16-3728615-G-A. GRCh37 (hg19) VCF-style: chr16-3778616-G-A.
Other names: c.6318C>T, p.Ala2106= (NM_001079846.1).
Identifiers: ClinVar variation 1753503 (VCV001753503.9), dbSNP rs766458803, ClinGen allele CA7869114.
Genomic context (GRCh38, chr16:3,728,615, plus strand): 5'-CAGGCCTCCCATCGCCTGCTGCTGTGGAGGCACACCGGGCCGCGGCACGCCAGCCTGCAT[G>A]GCATTCAGGTTCTGCAGGCTGGGCTGCTGGTGCATGCCAGGCTGGGGTTGCATGCCGGGC-3'
Protein context (NP_004371.2, residues 2134-2154): HQQPSLQNLN[Ala2144=]MQAGVPRPGV

ClinVar aggregate classification (germline): Likely benign. Review status: criteria provided, multiple submitters, no conflicts (2 of 4 stars). 3 submissions from 3 submitters: Likely benign (2). 1 of the submissions does not count toward it. Last evaluated 2022-09-14.

Conditions:
Inborn genetic diseases. Identifiers: MedGen C0950123, MeSH D030342.
CREBBP-related disorder. Also called: CREBBP-related condition; CREBBP-related disorders.
Rubinstein-Taybi syndrome (RSTS). Identifiers: Orphanet 783, MedGen C0035934, MONDO:0019188.

Allele frequency attached by ClinVar (database versions not stated): gnomAD 0.00001; gnomAD exomes 0.00001; ExAC 0.00002; TOPMed 0.00002.
gnomAD v4.1: 8 of 1,613,560 alleles (0.0005%); highest among the groups gnomAD compares: Admixed American, 0.0067%; no homozygotes.

Submissions (3):

Labcorp Genetics (formerly Invitae), Labcorp
Classification: Likely benign for Rubinstein-Taybi syndrome. Last evaluated: 2022-09-14. Review status: criteria provided, single submitter. Criteria: Invitae Variant Classification Sherloc (09022015). Collection method: clinical testing. Allele origin: germline.

Ambry Genetics
Classification: Likely benign for Inborn genetic diseases. Last evaluated: 2019-12-23. Review status: criteria provided, single submitter. Criteria: Ambry Variant Classification Scheme 2023. Collection method: clinical testing. Allele origin: germline.

PreventionGenetics, part of Exact Sciences
Classification: Likely benign for CREBBP-related condition. Last evaluated: 2021-11-05. Review status: no assertion criteria provided. Collection method: clinical testing. Allele origin: germline. Not counted in ClinVar's aggregate classification.
Comment: This variant is classified as likely benign based on ACMG/AMP sequence variant interpretation guidelines (Richards et al. 2015 PMID: 25741868, with internal and published modifications).